The following is an entry in ClinVar:

NC_000011.9:g.(?_108213939)_(108225611_?)del

Gene: ATM (ATM serine/threonine kinase; plus strand). Cytogenetic location: 11q22.3.
Variant type: Deletion.
Identifiers: ClinVar variation 1066290 (VCV001066290.6).

ClinVar aggregate classification (germline): Likely pathogenic (1 of 4 stars; one submission).

Conditions:
Ataxia-telangiectasia syndrome (AT). Also called: LOUIS-BAR SYNDROME; Ataxia-telangiectasia, complementation group D; AT, COMPLEMENTATION GROUP C; Cerebello-oculocutaneous telangiectasia; Immunodeficiency with ataxia telangiectasia; ATAXIA-TELANGIECTASIA, COMPLEMENTATION GROUP A. Identifiers: Orphanet 100, MedGen C0004135, MONDO:0008840, OMIM 208900.

Submission:

Labcorp Genetics (formerly Invitae), Labcorp
Classification: Likely pathogenic for Ataxia-telangiectasia syndrome. Last evaluated: 2022-09-20. Review status: criteria provided, single submitter. Criteria: Invitae Variant Classification Sherloc (09022015). Collection method: clinical testing. Allele origin: germline.
Comment: In summary, the currently available evidence indicates that the variant is pathogenic, but additional data are needed to prove that conclusively. Therefore, this variant has been classified as Likely Pathogenic. This variant disrupts the p.Arg2832 amino acid residue in ATM. Other variant(s) that disrupt this residue have been determined to be pathogenic (PMID: 9443866, 10873394, 18634022, 19431188). This suggests that this residue is clinically significant, and that variants that disrupt this residue are likely to be disease-causing. This variant has not been reported in the literature in individuals affected with ATM-related conditions. This variant is a gross deletion of the genomic region encompassing exon(s) 57-61 of the ATM gene. This variant would be expected to be in-frame, preserving the integrity of the reading frame.

Literature cited by the submitters: PubMed 9443866; PubMed 10873394; PubMed 18634022; PubMed 19431188.